The following is an entry in ClinVar:

ClinVar aggregate classification (germline): Likely pathogenic (1 of 4 stars; one submission).

Submission:

Labcorp Genetics (formerly Invitae), Labcorp
Classification: Likely pathogenic. Last evaluated: 2023-03-21. Review status: criteria provided, single submitter. Criteria: Invitae Variant Classification Sherloc (09022015). Collection method: clinical testing. Allele origin: germline.
Comment: In summary, the currently available evidence indicates that the variant is pathogenic, but additional data are needed to prove that conclusively. Therefore, this variant has been classified as Likely Pathogenic. Algorithms developed to predict the effect of sequence changes on RNA splicing suggest that this variant may disrupt the consensus splice site. This variant has not been reported in the literature in individuals affected with MTTP-related conditions. This variant is not present in population databases (gnomAD no frequency). This sequence change affects a donor splice site in intron 4 of the MTTP gene. It is expected to disrupt RNA splicing. Variants that disrupt the donor or acceptor splice site typically lead to a loss of protein function (PMID: 16199547), and loss-of-function variants in MTTP are known to be pathogenic (PMID: 8533758, 9671739).

Literature cited by the submitters: PubMed 16199547; PubMed 8533758; PubMed 9671739.

NM_001386140.1(MTTP):c.393+1G>C

Gene: MTTP (microsomal triglyceride transfer protein; plus strand). Cytogenetic location: 4q23.
Variant type: single nucleotide variant.
Coding change: c.393+1G>C on transcript NM_001386140.1 (MANE Select); the canonical splice donor site of the intron after coding-DNA position 393, G replaced by C.
Molecular consequence: splice donor variant.
Genome position (GRCh38, 1-based): chr4:99,583,518, G>C. VCF-style: chr4-99583518-G-C. GRCh37 (hg19) VCF-style: chr4-100504675-G-C.
Other names: c.393+1G>C (NM_000253.4); c.144+1G>C (NM_001300785.2).
Identifiers: ClinVar variation 2848080 (VCV002848080.3), dbSNP rs2476090399, ClinGen allele CA357502493.